The following is an entry in ClinVar:

ClinVar aggregate classification (germline): Uncertain significance. Review status: criteria provided, multiple submitters, no conflicts (2 of 4 stars). 2 submissions from 2 submitters: Uncertain significance (2). Last evaluated 2023-05-23.

Conditions:
Inborn genetic diseases. Identifiers: MedGen C0950123, MeSH D030342.
Immunodeficiency, common variable, 10. Also called: IMMUNODEFICIENCY, COMMON VARIABLE, WITH CENTRAL ADRENAL INSUFFICIENCY; DEFICIT IN ANTERIOR PITUITARY FUNCTION AND VARIABLE IMMUNODEFICIENCY. Identifiers: MedGen C3809991, MONDO:0014260, OMIM 615577.

Allele frequency attached by ClinVar (database versions not stated): gnomAD exomes 0.00001 and 0.00003; gnomAD 0.00003; TOPMed 0.00003.
gnomAD v4.1: 40 of 1,613,438 alleles (0.0025%); highest among the groups gnomAD compares: East Asian, 0.0045%; no homozygotes.

Submissions (2):

Ambry Genetics
Classification: Uncertain significance for Inborn genetic diseases. Last evaluated: 2023-05-23. Review status: criteria provided, single submitter. Criteria: Ambry Variant Classification Scheme 2023. Collection method: clinical testing. Allele origin: germline.

Labcorp Genetics (formerly Invitae), Labcorp
Classification: Uncertain significance for Immunodeficiency, common variable, 10. Last evaluated: 2023-05-22. Review status: criteria provided, single submitter. Criteria: Invitae Variant Classification Sherloc (09022015). Collection method: clinical testing. Allele origin: germline.
Comment: This sequence change replaces valine, which is neutral and non-polar, with alanine, which is neutral and non-polar, at codon 25 of the NFKB2 protein (p.Val25Ala). This variant is present in population databases (no rsID available, gnomAD 0.003%). This variant has not been reported in the literature in individuals affected with NFKB2-related conditions. ClinVar contains an entry for this variant (Variation ID: 657769). An algorithm developed to predict the effect of missense changes on protein structure and function (PolyPhen-2) suggests that this variant is likely to be tolerated. In summary, the available evidence is currently insufficient to determine the role of this variant in disease. Therefore, it has been classified as a Variant of Uncertain Significance.

NM_001322934.2(NFKB2):c.74T>C (p.Val25Ala)

Gene: NFKB2 (nuclear factor kappa B subunit 2; plus strand). Cytogenetic location: 10q24.32.
Variant type: single nucleotide variant.
Coding change: c.74T>C on transcript NM_001322934.2 (MANE Select); coding-DNA position 74, T replaced by C.
Protein change: p.Val25Ala; replaces valine 25 with alanine.
Molecular consequence: missense variant.
Genome position (GRCh38, 1-based): chr10:102,396,305, T>C. VCF-style: chr10-102396305-T-C. GRCh37 (hg19) VCF-style: chr10-104156062-T-C.
Other names: c.74T>C, p.Val25Ala (LRG_1347t1, NM_001077494.3, NM_001261403.3 and 3 more transcripts); c.74T>C (NM_001077494.1); short protein forms V25A.
Identifiers: ClinVar variation 657769 (VCV000657769.10), dbSNP rs1379133748, ClinGen allele CA377895846.